The following is an entry in ClinVar:

ClinVar aggregate classification (germline): Pathogenic (1 of 4 stars; one submission).

Conditions:
Maple syrup urine disease (MSUD). Identifiers: Orphanet 511, MedGen C0024776, MeSH D008375, MONDO:0009563. Disease mechanism: loss of function.

Submission:

Labcorp Genetics (formerly Invitae), Labcorp
Classification: Pathogenic for Maple syrup urine disease. Last evaluated: 2023-08-19. Review status: criteria provided, single submitter. Criteria: Invitae Variant Classification Sherloc (09022015). Collection method: clinical testing. Allele origin: germline.
Comment: For these reasons, this variant has been classified as Pathogenic. This variant has not been reported in the literature in individuals affected with BCKDHB-related conditions. This variant is not present in population databases (gnomAD no frequency). This sequence change creates a premature translational stop signal (p.Ser79Valfs*14) in the BCKDHB gene. It is expected to result in an absent or disrupted protein product. Loss-of-function variants in BCKDHB are known to be pathogenic (PMID: 16786533, 22593002).

Literature cited by the submitters: PubMed 16786533; PubMed 22593002.

NM_183050.4(BCKDHB):c.235del (p.Ser79fs)

Gene: BCKDHB (branched chain keto acid dehydrogenase E1 subunit beta; plus strand). Cytogenetic location: 6q14.1.
Variant type: Deletion.
Coding change: c.235del on transcript NM_183050.4 (MANE Select); coding-DNA position 235, one base deleted (A; older notation c.235delA).
Protein change: p.Ser79fs; shifts the reading frame from serine 79.
Molecular consequence: frameshift variant. On other transcripts: non-coding transcript variant (6).
Genome position (GRCh38, 1-based): chr6:80,127,585, A deleted; the last of 2 consecutive A bases (chr6:80,127,584-80,127,585); deleting either gives the same sequence. VCF-style (leftmost placement, unchanged base first): chr6-80127583-CA-C. GRCh37 (hg19) VCF-style: chr6-80837300-CA-C.
Other names: c.235del, p.Ser79fs (NM_000056.5, NM_001424035.1, NM_001424036.1 and 8 more transcripts); c.25del, p.Ser9fs (NM_001318975.1, NM_001424043.1); short protein forms S9fs, S79fs.
Identifiers: ClinVar variation 2868224 (VCV002868224.3), dbSNP rs2481558879, ClinGen allele CA2739273279.
Genomic context (GRCh38, chr6:80,127,583, plus strand): 5'-TGATTTTTTTTTTGATTTTCACAGGGCAAACTCAGAAAATGAATCTTTTCCAGTCTGTAA[CA>C]AGTGCCTTGGATAACTCATTGGCCAAAGATCCTACTGCAGGTAACCCTGATATGTGCCTG-3'